The following is an entry in ClinVar:

Conditions:
Arteriohepatic dysplasia. Also called: Alagille Syndrome. Identifiers: Orphanet 52, MedGen C0085280, MeSH D016738, MONDO:0007318.

Submission:

Gilbert/Spinner Lab, Children's Hospital of Philadelphia
No classification provided (evidence only). Condition: Alagille syndrome. Review status: no classification provided. Collection method: research. Allele origin: not applicable. Functional consequence: functionally_abnormal.
ClinVar note: "not provided" was previously submitted as the classification for the variant. However, the classification appeared to be based only on an observation of functional data so it was converted to no classification on 2025-07-30.

NM_000214.3(JAG1):c.68C>A (p.Ala23Asp)

Gene: JAG1 (jagged canonical Notch ligand 1; minus strand). Cytogenetic location: 20p12.2.
Variant type: single nucleotide variant.
Coding change: c.68C>A on transcript NM_000214.3 (MANE Select); coding-DNA position 68, C replaced by A.
Protein change: p.Ala23Asp; replaces alanine 23 with aspartic acid.
Molecular consequence: missense variant.
Genome position (GRCh38, 1-based): chr20:10,673,463, G>T on the plus strand (C>A on the coding strand, the complement: JAG1 is on the minus strand). VCF-style: chr20-10673463-G-T. GRCh37 (hg19) VCF-style: chr20-10654111-G-T.
Other names: short protein forms A23D.
Identifiers: ClinVar variation 3573145 (VCV003573145.2).